The following is an entry in ClinVar:

ClinVar aggregate classification (germline): Likely benign (1 of 4 stars; one submission).

Allele frequency attached by ClinVar (database versions not stated): ExAC 0.00002.

Submission:

CeGaT Center for Human Genetics Tuebingen
Classification: Likely benign. Last evaluated: 2024-04-01. Review status: criteria provided, single submitter. Criteria: CeGaT Center For Human Genetics Tuebingen Variant Classification Criteria Version 2. Collection method: clinical testing. Allele origin: germline. Affected: yes. Observed: 1 variant allele.
Comment: KDM6B: BP4, BP7

NM_001348716.2(KDM6B):c.786A>C (p.Pro262=)

Gene: KDM6B (lysine demethylase 6B; plus strand). Cytogenetic location: 17p13.1.
Variant type: single nucleotide variant.
Coding change: c.786A>C on transcript NM_001348716.2 (MANE Select); coding-DNA position 786, A replaced by C.
Protein change: p.Pro262=; no amino-acid change (proline 262 retained).
Molecular consequence: synonymous variant.
Genome position (GRCh38, 1-based): chr17:7,846,893, A>C. VCF-style: chr17-7846893-A-C. GRCh37 (hg19) VCF-style: chr17-7750211-A-C.
Other names: c.786A>C, p.Pro262= (NM_001080424.2).
Identifiers: ClinVar variation 3067306 (VCV003067306.21), dbSNP rs772796262, ClinGen allele CA8360370.